The following is an entry in ClinVar:

NM_001370259.2(MEN1):c.958C>T (p.Pro320Ser)

Gene: MEN1 (menin 1; minus strand). Cytogenetic location: 11q13.1.
Variant type: single nucleotide variant.
Coding change: c.958C>T on transcript NM_001370259.2 (MANE Select); coding-DNA position 958, C replaced by T.
Protein change: p.Pro320Ser; replaces proline 320 with serine.
Molecular consequence: missense variant.
Genome position (GRCh38, 1-based): chr11:64,806,323, G>A on the plus strand (C>T on the coding strand, the complement: MEN1 is on the minus strand). VCF-style: chr11-64806323-G-A. GRCh37 (hg19) VCF-style: chr11-64573795-G-A.
Other names: c.973C>T, p.Pro325Ser (NM_000244.4, NM_130800.3, NM_130801.3 and 3 more transcripts); c.958C>T, p.Pro320Ser (NM_001370251.2, NM_001370260.2, NM_001370261.2 and 1 more transcripts); c.853C>T, p.Pro285Ser (NM_001370262.2, NM_001370263.2); short protein forms P320S, P285S, P325S.
Identifiers: ClinVar variation 1041464 (VCV001041464.14), dbSNP rs1941726727, ClinGen allele CA381183364.

ClinVar aggregate classification (germline): Uncertain significance. Review status: criteria provided, multiple submitters, no conflicts (2 of 4 stars). 4 submissions from 4 submitters: Uncertain significance (4). Last evaluated 2026-04-29.

Conditions:
Hereditary cancer-predisposing syndrome. Also called: Hereditary neoplastic syndrome; Neoplastic Syndromes, Hereditary; Tumor predisposition; Hereditary Cancer Syndrome. Identifiers: Orphanet 140162, MedGen C0027672, MeSH D009386, MONDO:0015356.
Multiple endocrine neoplasia, type 1 (MEN1). Also called: MEA I; MEN I; WERMER SYNDROME; Endocrine adenomatosis multiple; MEN 1. Identifiers: Orphanet 652, MedGen C0025267, MeSH D018761, MONDO:0007540, OMIM 131100.

Allele frequency attached by ClinVar (database versions not stated): gnomAD exomes below 0.00001; TOPMed below 0.00001.
gnomAD v4.1: 1 of 1,614,222 alleles (0.000062%); highest among the groups gnomAD compares: African/African-American, 0.0013%; no homozygotes.

Submissions (4):

Ambry Genetics
Classification: Uncertain significance for Hereditary cancer-predisposing syndrome. Last evaluated: 2026-04-29. Review status: criteria provided, single submitter. Criteria: Ambry Variant Classification Scheme 2023. Collection method: clinical testing. Allele origin: germline.
Comment: The p.P320S variant (also known as c.958C>T), located in coding exon 6 of the MEN1 gene, results from a C to T substitution at nucleotide position 958. The proline at codon 320 is replaced by serine, an amino acid with similar properties. This amino acid position is highly conserved in available vertebrate species. In addition, this alteration is predicted to be deleterious by in silico analysis. Based on the available evidence, the clinical significance of this variant remains unclear.

Labcorp Genetics (formerly Invitae), Labcorp
Classification: Uncertain significance for Multiple endocrine neoplasia, type 1. Last evaluated: 2025-09-03. Review status: criteria provided, single submitter. Criteria: Invitae Variant Classification Sherloc (09022015). Collection method: clinical testing. Allele origin: germline.
Comment: This sequence change replaces proline, which is neutral and non-polar, with serine, which is neutral and polar, at codon 320 of the MEN1 protein (p.Pro320Ser). This variant is not present in population databases (gnomAD no frequency). This variant has not been reported in the literature in individuals affected with MEN1-related conditions. ClinVar contains an entry for this variant (Variation ID: 1041464). Invitae Evidence Modeling of protein sequence and biophysical properties (such as structural, functional, and spatial information, amino acid conservation, physicochemical variation, residue mobility, and thermodynamic stability) indicates that this missense variant is expected to disrupt MEN1 protein function with a positive predictive value of 95%. In summary, the available evidence is currently insufficient to determine the role of this variant in disease. Therefore, it has been classified as a Variant of Uncertain Significance.

Baylor Genetics
Classification: Uncertain significance for Multiple Endocrine Neoplasia Type 1. Last evaluated: 2023-07-07. Review status: criteria provided, single submitter. Criteria: ACMG Guidelines, 2015. Collection method: clinical testing. Allele origin: unknown.

All of Us Research Program, National Institutes of Health
Classification: Uncertain significance for Multiple endocrine neoplasia, type 1. Last evaluated: 2023-05-04. Review status: criteria provided, single submitter. Criteria: ACMG Guidelines, 2015. Collection method: clinical testing. Allele origin: germline. Inheritance: Autosomal dominant inheritance. Observed: 1 variant allele, 1 heterozygote.
Comment: This missense variant replaces proline with serine at codon 320 of the MEN1 protein. Computational prediction suggests that this variant may have deleterious impact on protein structure and function (internally defined REVEL score threshold >= 0.7, PMID: 27666373). To our knowledge, functional studies have not been reported for this variant. This variant has not been reported in individuals affected with MEN1-related disorders in the literature. Two other missense substitutions with leucine and serine at this codon have been reported as disease-causing in ClinVar (variation ID: 988340, 21819486). This variant has not been identified in the general population by the Genome Aggregation Database (gnomAD). The available evidence is insufficient to determine the role of this variant in disease conclusively. Therefore, this variant is classified as a Variant of Uncertain Significance.

This study involves interpretation of variants in research participants for the purpose of population health screening. Participant phenotype was not available at the time of variant classification. Additional details can be found in publication PMID: 35346344, PMCID: PMC8962531